The following is an entry in ClinVar:

ClinVar aggregate classification (germline): Uncertain significance. Review status: criteria provided, multiple submitters, no conflicts (2 of 4 stars). 2 submissions from 2 submitters: Uncertain significance (2). Last evaluated 2025-08-11.

Conditions:
Inborn genetic diseases. Identifiers: MedGen C0950123, MeSH D030342.

Allele frequency attached by ClinVar (database versions not stated): gnomAD exomes below 0.00001.
gnomAD v4.1: 2 of 1,614,122 alleles (0.00012%); highest among the groups gnomAD compares: Admixed American, 0.0033%; no homozygotes.

Submissions (2):

Ambry Genetics
Classification: Uncertain significance for Inborn genetic diseases. Last evaluated: 2025-08-11. Review status: criteria provided, single submitter. Criteria: Ambry Variant Classification Scheme 2023. Collection method: clinical testing. Allele origin: germline.

Labcorp Genetics (formerly Invitae), Labcorp
Classification: Uncertain significance. Last evaluated: 2022-06-20. Review status: criteria provided, single submitter. Criteria: Invitae Variant Classification Sherloc (09022015). Collection method: clinical testing. Allele origin: germline.
Comment: This sequence change replaces serine, which is neutral and polar, with arginine, which is basic and polar, at codon 899 of the CNGB1 protein (p.Ser899Arg). This variant is present in population databases (no rsID available, gnomAD 0.003%). This variant has not been reported in the literature in individuals affected with CNGB1-related conditions. Algorithms developed to predict the effect of missense changes on protein structure and function (SIFT, PolyPhen-2, Align-GVGD) all suggest that this variant is likely to be tolerated. In summary, the available evidence is currently insufficient to determine the role of this variant in disease. Therefore, it has been classified as a Variant of Uncertain Significance.

NM_001297.5(CNGB1):c.2695A>C (p.Ser899Arg)

Gene: CNGB1 (cyclic nucleotide gated channel subunit beta 1; minus strand). Cytogenetic location: 16q21.
Variant type: single nucleotide variant.
Coding change: c.2695A>C on transcript NM_001297.5 (MANE Select); coding-DNA position 2695, A replaced by C.
Protein change: p.Ser899Arg; replaces serine 899 with arginine.
Molecular consequence: missense variant.
Genome position (GRCh38, 1-based): chr16:57,903,921, T>G on the plus strand (A>C on the coding strand, the complement: CNGB1 is on the minus strand). VCF-style: chr16-57903921-T-G. GRCh37 (hg19) VCF-style: chr16-57937825-T-G.
Other names: c.2677A>C, p.Ser893Arg (NM_001286130.2); c.2695A>C (NM_001297.4); short protein forms S893R, S899R.
Identifiers: ClinVar variation 1896508 (VCV001896508.3), dbSNP rs1249610249, ClinGen allele CA396057908.